The following is an entry in ClinVar:

NM_001692.4(ATP6V1B1):c.373dup (p.Val125fs)

Gene: ATP6V1B1 (ATPase H+ transporting V1 subunit B1; plus strand). Cytogenetic location: 2p13.3.
Variant type: Duplication.
Coding change: c.373dup on transcript NM_001692.4 (MANE Select); coding-DNA position 373, one base duplicated (G; older notation c.373dupG).
Protein change: p.Val125fs; shifts the reading frame from valine 125.
Molecular consequence: frameshift variant.
Genome position (GRCh38, 1-based): chr2:70,959,023, G duplicated; the last of 3 consecutive G bases (chr2:70,959,021-70,959,023); duplicating any one gives the same sequence. VCF-style (leftmost placement, unchanged base first): chr2-70959020-C-CG. GRCh37 (hg19) VCF-style: chr2-71186150-C-CG.
Other names: short protein forms V125fs.
Identifiers: ClinVar variation 5010822 (VCV005010822.1).
Genomic context (GRCh38, chr2:70,959,020, plus strand): 5'-GTAGTGAGGGACACAGGGCTAGCCTGAGCACCCTGCAACACTCCTCGTCCACCCTCAGGT[C>CG]GGGTTTTCAATGGCTCCGGCAAGCCCATTGACAAGGGGCCAGTGGTCATGGCGGAGGACT-3'

ClinVar aggregate classification (germline): Pathogenic (1 of 4 stars; one submission).

Conditions:
Renal tubular acidosis with progressive nerve deafness. Also called: RENAL TUBULAR ACIDOSIS, AUTOSOMAL RECESSIVE, WITH PROGRESSIVE NERVE DEAFNESS; RTA WITH PROGRESSIVE NERVE DEAFNESS; Distal Renal Tubular Acidosis with Progressive Sensorineural Deafness; renal tubular acidosis, distal, 2, with progressive sensorineural hearing loss. Identifiers: MedGen C0403554, MONDO:0009968, OMIM 267300.

Submission:

Myriad Genetics, Inc.
Classification: Pathogenic for Renal tubular acidosis with progressive nerve deafness. Last evaluated: 2024-05-14. Review status: criteria provided, single submitter. Criteria: Myriad Autosomal Dominant, Autosomal Recessive and X-Linked Classification Criteria (2023). Collection method: clinical testing. Allele origin: unknown.
Comment: NM_001692.3(ATP6V1B1):c.373dupG(V125Gfs*10) is expected to be pathogenic in the context of distal renal tubular acidosis with deafness, ATP6V1B1-related. This variant is predicted to lead to an abnormal or absent protein product due to the creation of a premature termination codon in ATP6V1B1, a gene where loss-of-function variants are known to be pathogenic. Please note: this variant was assessed in the context of healthy population screening.